The following is an entry in ClinVar:

NM_000458.4(HNF1B):c.1045+330G>C

Gene: HNF1B (HNF1 homeobox B; minus strand). Cytogenetic location: 17q12.
Variant type: single nucleotide variant.
Coding change: c.1045+330G>C on transcript NM_000458.4 (MANE Select); 330 bases into the intron after coding-DNA position 1045, G replaced by C.
Molecular consequence: intron variant.
Genome position (GRCh38, 1-based): chr17:37,731,265, C>G on the plus strand (G>C on the coding strand, the complement: HNF1B is on the minus strand). VCF-style: chr17-37731265-C-G. GRCh37 (hg19) VCF-style: chr17-36091256-C-G.
Other names: c.967+330G>C (NM_001304286.2, NM_001165923.4).
Identifiers: ClinVar variation 667604 (VCV000667604.2), dbSNP rs9906451, ClinGen allele CA14503123.

ClinVar aggregate classification (germline): Benign. Review status: criteria provided, multiple submitters, no conflicts (2 of 4 stars). 2 submissions from 2 submitters: Benign (2). Last evaluated 2018-06-20.

Allele frequency attached by ClinVar (database versions not stated): gnomAD exomes 0.13368; gnomAD 0.18165 and 0.18495; TOPMed 0.18245; 1000 Genomes Project 30x 0.18598; 1000 Genomes Project 0.18890.
gnomAD v4.1: 71,533 of 479,688 alleles (15%); highest among the groups gnomAD compares: African/African-American, 32%; 6,446 homozygotes.

Submissions (2):

GeneDx
Classification: Benign. Last evaluated: 2018-06-20. Review status: criteria provided, single submitter. Criteria: GeneDx Variant Classification (06012015). Collection method: clinical testing. Allele origin: germline. Affected: yes.
Comment: This variant is considered likely benign or benign based on one or more of the following criteria: it is a conservative change, it occurs at a poorly conserved position in the protein, it is predicted to be benign by multiple in silico algorithms, and/or has population frequency not consistent with disease.

Breakthrough Genomics
Classification: Benign. Review status: criteria provided, single submitter. Criteria: ACMG Guidelines, 2015. Collection method: not provided. Allele origin: germline. Inheritance: Autosomal dominant inheritance. Affected: yes.